The following is an entry in ClinVar:

ClinVar aggregate classification (germline): Benign/Likely benign. Review status: criteria provided, multiple submitters, no conflicts (2 of 4 stars). 8 submissions from 7 submitters: Benign (4); Likely benign (4). Last evaluated 2026-09-01.

Conditions:
Inborn genetic diseases. Identifiers: MedGen C0950123, MeSH D030342.
Seckel syndrome 1 (SCKL1). Also called: MICROCEPHALIC PRIMORDIAL DWARFISM I. Identifiers: Orphanet 808, MedGen C4551474, MONDO:0008869, OMIM 210600.
Familial cutaneous telangiectasia and oropharyngeal predisposition cancer syndrome. Identifiers: Orphanet 313846, MedGen C3281203, MONDO:0013806, OMIM 614564.

Allele frequency attached by ClinVar (database versions not stated): gnomAD exomes 0.00040 and 0.00102; ExAC 0.00135; 1000 Genomes Project 0.00240; 1000 Genomes Project 30x 0.00328; gnomAD 0.00386 and 0.00415; TOPMed 0.00431; ESP Exome Variant Server 0.00546.

Submissions (8):

CeGaT Center for Human Genetics Tuebingen
Classification: Likely benign. Last evaluated: 2026-09-01. Review status: criteria provided, single submitter. Criteria: CeGaT Center For Human Genetics Tuebingen Variant Classification Criteria Version 2. Collection method: clinical testing. Allele origin: germline. Affected: yes. Observed: 4 variant alleles.
Comment: ATR: BP4, BP7, BS1

Labcorp Genetics (formerly Invitae), Labcorp
Classification: Benign. Last evaluated: 2026-01-26. Review status: criteria provided, single submitter. Criteria: Invitae Variant Classification Sherloc (09022015). Collection method: clinical testing. Allele origin: germline.

Genome-Nilou Lab
Classification: Likely benign for Seckel syndrome 1. Last evaluated: 2023-02-08. Review status: criteria provided, single submitter. Criteria: ACMG Guidelines, 2015. Collection method: clinical testing. Allele origin: germline.

Genome-Nilou Lab
Classification: Likely benign for Familial cutaneous telangiectasia and oropharyngeal predisposition cancer syndrome. Last evaluated: 2023-02-08. Review status: criteria provided, single submitter. Criteria: ACMG Guidelines, 2015. Collection method: clinical testing. Allele origin: germline.

Ambry Genetics
Classification: Likely benign for Inborn genetic diseases. Last evaluated: 2022-02-12. Review status: criteria provided, single submitter. Criteria: Ambry Variant Classification Scheme 2023. Collection method: clinical testing. Allele origin: germline.

Genetic Services Laboratory, University of Chicago
Classification: Benign. Last evaluated: 2021-04-29. Review status: criteria provided, single submitter. Criteria: ACMG Guidelines, 2015. Collection method: clinical testing. Allele origin: germline. Affected: no.

Illumina Laboratory Services, Illumina
Classification: Benign for Seckel syndrome 1. Last evaluated: 2018-01-12. Review status: criteria provided, single submitter. Criteria: ICSL Variant Classification Criteria 13 December 2019. Collection method: clinical testing. Allele origin: germline.
Comment: This variant was observed in the ICSL laboratory as part of a predisposition screen in an ostensibly healthy population. It had not been previously curated by ICSL or reported in the Human Gene Mutation Database (HGMD: prior to June 1st, 2018), and was therefore a candidate for classification through an automated scoring system. Utilizing variant allele frequency, disease prevalence and penetrance estimates, and inheritance mode, an automated score was calculated to assess if this variant is too frequent to cause the disease. Based on the score and internal cut-off values, a variant classified as benign is not then subjected to further curation. The score for this variant resulted in a classification of benign for this disease.

Breakthrough Genomics
Classification: Benign. Review status: criteria provided, single submitter. Criteria: ACMG Guidelines, 2015. Collection method: not provided. Allele origin: germline. Inheritance: Autosomal recessive inheritance. Affected: yes.

NM_001184.4(ATR):c.4764C>T (p.Leu1588=)

Gene: ATR (ATR checkpoint kinase; minus strand). Cytogenetic location: 3q23.
Variant type: single nucleotide variant.
Coding change: c.4764C>T on transcript NM_001184.4 (MANE Select); coding-DNA position 4764, C replaced by T.
Protein change: p.Leu1588=; no amino-acid change (leucine 1588 retained).
Molecular consequence: synonymous variant.
Genome position (GRCh38, 1-based): chr3:142,512,348, G>A on the plus strand (C>T on the coding strand, the complement: ATR is on the minus strand). VCF-style: chr3-142512348-G-A. GRCh37 (hg19) VCF-style: chr3-142231190-G-A.
Other names: c.4572C>T, p.Leu1524= (NM_001354579.2).
Identifiers: ClinVar variation 210490 (VCV000210490.47), dbSNP rs142240637, ClinGen allele CA206035.